The following is an entry in ClinVar:

ClinVar aggregate classification (germline): Uncertain significance (1 of 4 stars; one submission).

Submission:

CeGaT Center for Human Genetics Tuebingen
Classification: Uncertain significance. Last evaluated: 2023-12-01. Review status: criteria provided, single submitter. Criteria: CeGaT Center For Human Genetics Tuebingen Variant Classification Criteria Version 2. Collection method: clinical testing. Allele origin: germline. Affected: yes. Observed: 1 variant allele.
Comment: AHDC1: PM2, BP1

NM_001371928.1(AHDC1):c.498C>G (p.Ser166Arg)

Gene: AHDC1 (AT-hook DNA binding motif containing 1; minus strand). Cytogenetic location: 1p36.11.
Variant type: single nucleotide variant.
Coding change: c.498C>G on transcript NM_001371928.1 (MANE Select); coding-DNA position 498, C replaced by G.
Protein change: p.Ser166Arg; replaces serine 166 with arginine.
Molecular consequence: missense variant.
Genome position (GRCh38, 1-based): chr1:27,551,618, G>C on the plus strand (C>G on the coding strand, the complement: AHDC1 is on the minus strand). VCF-style: chr1-27551618-G-C. GRCh37 (hg19) VCF-style: chr1-27878129-G-C.
Other names: c.498C>G, p.Ser166Arg (NM_001029882.3); short protein forms S166R.
Identifiers: ClinVar variation 3026639 (VCV003026639.22), dbSNP rs2019568856, ClinGen allele CA339237011.